The following is an entry in ClinVar:

NM_001384474.1(LOXHD1):c.2406G>A (p.Leu802=)

Gene: LOXHD1 (lipoxygenase homology PLAT domains 1; minus strand). Cytogenetic location: 18q21.1.
Variant type: single nucleotide variant.
Coding change: c.2406G>A on transcript NM_001384474.1 (MANE Select); coding-DNA position 2406, G replaced by A.
Protein change: p.Leu802=; no amino-acid change (leucine 802 retained).
Molecular consequence: synonymous variant.
Genome position (GRCh38, 1-based): chr18:46,566,288, C>T on the plus strand (G>A on the coding strand, the complement: LOXHD1 is on the minus strand). VCF-style: chr18-46566288-C-T. GRCh37 (hg19) VCF-style: chr18-44146251-C-T.
Other names: c.2406G>A, p.Leu802= (NM_144612.7).
Identifiers: ClinVar variation 514371 (VCV000514371.11), dbSNP rs1305236679, ClinGen allele CA503813149.

ClinVar aggregate classification (germline): Likely benign. Review status: criteria provided, multiple submitters, no conflicts (2 of 4 stars). 2 submissions from 2 submitters: Likely benign (2). Last evaluated 2023-03-02.

Allele frequency attached by ClinVar (database versions not stated): gnomAD exomes 0.00003.

Submissions (2):

Labcorp Genetics (formerly Invitae), Labcorp
Classification: Likely benign. Last evaluated: 2023-03-02. Review status: criteria provided, single submitter. Criteria: Invitae Variant Classification Sherloc (09022015). Collection method: clinical testing. Allele origin: germline.

GeneDx
Classification: Likely benign. Last evaluated: 2018-01-05. Review status: criteria provided, single submitter. Criteria: GeneDx Variant Classification (06012015). Collection method: clinical testing. Allele origin: germline. Affected: yes.
Comment: This variant is considered likely benign or benign based on one or more of the following criteria: it is a conservative change, it occurs at a poorly conserved position in the protein, it is predicted to be benign by multiple in silico algorithms, and/or has population frequency not consistent with disease.